The following is an entry in ClinVar:

ClinVar aggregate classification (germline): Conflicting classifications of pathogenicity. Review status: criteria provided, conflicting classifications (1 of 4 stars). 2 submissions from 2 submitters: Uncertain significance (1); Benign (1). Last evaluated 2025-10-28.

Conditions:
Fanconi anemia complementation group O. Also called: RAD51C-Related Fanconi Anemia. Identifiers: Orphanet 84, MedGen C3150653, MONDO:0013248, OMIM 613390.
Hereditary cancer-predisposing syndrome. Also called: Neoplastic Syndromes, Hereditary; Tumor predisposition; Hereditary Cancer Syndrome; Hereditary neoplastic syndrome. Identifiers: Orphanet 140162, MedGen C0027672, MeSH D009386, MONDO:0015356.

Submissions (2):

Ambry Genetics
Classification: Benign for Hereditary cancer-predisposing syndrome. Last evaluated: 2025-10-28. Review status: criteria provided, single submitter. Criteria: Ambry Variant Classification Scheme 2023. Collection method: clinical testing. Allele origin: germline.

Labcorp Genetics (formerly Invitae), Labcorp
Classification: Uncertain significance for Fanconi anemia complementation group O. Last evaluated: 2024-03-06. Review status: criteria provided, single submitter. Criteria: Invitae Variant Classification Sherloc (09022015). Collection method: clinical testing. Allele origin: germline.
Comment: This sequence change replaces histidine, which is basic and polar, with arginine, which is basic and polar, at codon 187 of the RAD51C protein (p.His187Arg). This variant is not present in population databases (gnomAD no frequency). This variant has not been reported in the literature in individuals affected with RAD51C-related conditions. ClinVar contains an entry for this variant (Variation ID: 1748611). An algorithm developed to predict the effect of missense changes on protein structure and function (PolyPhen-2) suggests that this variant is likely to be tolerated. In summary, the available evidence is currently insufficient to determine the role of this variant in disease. Therefore, it has been classified as a Variant of Uncertain Significance.

NM_058216.3(RAD51C):c.560A>G (p.His187Arg)

Gene: RAD51C (RAD51 paralog C; plus strand). Cytogenetic location: 17q22.
Variant type: single nucleotide variant.
Coding change: c.560A>G on transcript NM_058216.3 (MANE Select); coding-DNA position 560, A replaced by G.
Protein change: p.His187Arg; replaces histidine 187 with arginine.
Molecular consequence: missense variant.
Genome position (GRCh38, 1-based): chr17:58,696,848, A>G. VCF-style: chr17-58696848-A-G. GRCh37 (hg19) VCF-style: chr17-56774209-A-G.
Other names: short protein forms H187R.
Identifiers: ClinVar variation 1748611 (VCV001748611.6), dbSNP rs2143749742, ClinGen allele CA400345458.